The following is an entry in ClinVar:

NM_014339.7(IL17RA):c.1038G>C (p.Arg346Ser)

Genes: IL17RA (interleukin 17 receptor A; plus strand), LOC129391259 (MPRA-validated peak4440 silencer; plus strand). Cytogenetic location: 22q11.1.
Variant type: single nucleotide variant.
Coding change: c.1038G>C on transcript NM_014339.7 (MANE Select); coding-DNA position 1038, G replaced by C.
Protein change: p.Arg346Ser; replaces arginine 346 with serine.
Molecular consequence: missense variant. On other transcripts: intron variant (1).
Genome position (GRCh38, 1-based): chr22:17,105,947, G>C. VCF-style: chr22-17105947-G-C. GRCh37 (hg19) VCF-style: chr22-17586837-G-C.
Other names: c.943+345G>C (NM_001289905.2); short protein forms R346S.
Identifiers: ClinVar variation 1361832 (VCV001361832.8), dbSNP rs2123807952, ClinGen allele CA410215027.
Genomic context (GRCh38, chr22:17,105,947, plus strand): 5'-GGGCATCTCCATCCTGCTGGTGGGCTCCGTCATCCTGCTCATCGTCTGCATGACCTGGAG[G>C]CTAGCTGGTAAGCGCTGGGGCTCTGGCTGTCCTGGAGTCAGGCTCTAATACCAGCACCAC-3'
Protein context (NP_055154.3, residues 336-356): VILLIVCMTW[Arg346Ser]LAGPGSEKYS

ClinVar aggregate classification (germline): Uncertain significance (1 of 4 stars; one submission).

Conditions:
Immunodeficiency 51 (IMD51). Also called: CANDIDIASIS, FAMILIAL, 5. Identifiers: Orphanet 1334, MedGen C4310803, MONDO:0013500, OMIM 613953.

Submission:

Labcorp Genetics (formerly Invitae), Labcorp
Classification: Uncertain significance for Immunodeficiency 51. Last evaluated: 2021-06-17. Review status: criteria provided, single submitter. Criteria: Invitae Variant Classification Sherloc (09022015). Collection method: clinical testing. Allele origin: germline.
Comment: This sequence change replaces arginine with serine at codon 346 of the IL17RA protein (p.Arg346Ser). The arginine residue is highly conserved and there is a moderate physicochemical difference between arginine and serine. This variant is not present in population databases (ExAC no frequency). This variant has not been reported in the literature in individuals with IL17RA-related conditions. Algorithms developed to predict the effect of missense changes on protein structure and function are either unavailable or do not agree on the potential impact of this missense change (SIFT: "Deleterious"; PolyPhen-2: "Possibly Damaging"; Align-GVGD: "Class C0"). In summary, the available evidence is currently insufficient to determine the role of this variant in disease. Therefore, it has been classified as a Variant of Uncertain Significance.